The following is an entry in ClinVar:

ClinVar aggregate classification (germline): Uncertain significance (1 of 4 stars; one submission).

Conditions:
Cardiovascular phenotype. Identifiers: MedGen CN230736.

Allele frequency attached by ClinVar (database versions not stated): gnomAD exomes below 0.00001; TOPMed 0.00002.
gnomAD v4.1: 3 of 1,592,110 alleles (0.00019%); highest among the groups gnomAD compares: Non-Finnish European, 0.00026%; no homozygotes.

Submission:

Ambry Genetics
Classification: Uncertain significance for Cardiovascular phenotype. Last evaluated: 2023-05-22. Review status: criteria provided, single submitter. Criteria: Ambry Variant Classification Scheme 2023. Collection method: clinical testing. Allele origin: germline.
Comment: The p.Y1267C variant (also known as c.3800A>G), located in coding exon 12 of the AKAP9 gene, results from an A to G substitution at nucleotide position 3800. The tyrosine at codon 1267 is replaced by cysteine, an amino acid with highly dissimilar properties. This amino acid position is conserved. In addition, this alteration is predicted to be tolerated by in silico analysis. Since supporting evidence is limited at this time, the clinical significance of this alteration remains unclear.

NM_005751.5(AKAP9):c.3800A>G (p.Tyr1267Cys)

Gene: AKAP9 (A-kinase anchoring protein 9; plus strand). Cytogenetic location: 7q21.2.
Variant type: single nucleotide variant.
Coding change: c.3800A>G on transcript NM_005751.5 (MANE Select); coding-DNA position 3800, A replaced by G.
Protein change: p.Tyr1267Cys; replaces tyrosine 1267 with cysteine.
Molecular consequence: missense variant.
Genome position (GRCh38, 1-based): chr7:92,017,065, A>G. VCF-style: chr7-92017065-A-G. GRCh37 (hg19) VCF-style: chr7-91646379-A-G.
Other names: c.3800A>G, p.Tyr1267Cys (NM_147185.3); short protein forms Y1267C.
Identifiers: ClinVar variation 2564487 (VCV002564487.2), dbSNP rs1167465422, ClinGen allele CA368127274.
Genomic context (GRCh38, chr7:92,017,065, plus strand): 5'-TTTACCATCCAGACTTTCAAGAAAATATGCACACTCTTCTCAACAAAGTAACAGAAGAAT[A>G]CAACAAACTCTTGGTACTTCAAACACGACTAAGCAAGGTCTGTGAGATGGAAAATATATT-3'
Protein context (NP_005742.4, residues 1257-1277): HTLLNKVTEE[Tyr1267Cys]NKLLVLQTRL